The following is an entry in ClinVar:

ClinVar aggregate classification (germline): Uncertain significance (1 of 4 stars; one submission).

Conditions:
Hereditary cancer-predisposing syndrome. Also called: Hereditary Cancer Syndrome; Tumor predisposition; Hereditary neoplastic syndrome; Neoplastic Syndromes, Hereditary. Identifiers: Orphanet 140162, MedGen C0027672, MeSH D009386, MONDO:0015356.

gnomAD v4.1: 1 of 1,613,984 alleles (0.000062%); highest among the groups gnomAD compares: Non-Finnish European, 0.000085%; no homozygotes.

Submission:

Ambry Genetics
Classification: Uncertain significance for Hereditary cancer-predisposing syndrome. Last evaluated: 2024-04-04. Review status: criteria provided, single submitter. Criteria: Ambry Variant Classification Scheme 2023. Collection method: clinical testing. Allele origin: germline.
Comment: The p.E540A variant (also known as c.1619A>C), located in coding exon 9 of the BRCA1 gene, results from an A to C substitution at nucleotide position 1619. The glutamic acid at codon 540 is replaced by alanine, an amino acid with dissimilar properties. This amino acid position is conserved. In addition, the in silico prediction for this alteration is inconclusive. Based on the available evidence, the clinical significance of this variant remains unclear.

NM_007294.4(BRCA1):c.1619A>C (p.Glu540Ala)

Gene: BRCA1 (BRCA1 DNA repair associated; minus strand). Cytogenetic location: 17q21.31.
Variant type: single nucleotide variant.
Coding change: c.1619A>C on transcript NM_007294.4 (MANE Select); coding-DNA position 1619, A replaced by C.
Protein change: p.Glu540Ala; replaces glutamic acid 540 with alanine.
Molecular consequence: missense variant. On other transcripts: intron variant (137).
Genome position (GRCh38, 1-based): chr17:43,093,912, T>G on the plus strand (A>C on the coding strand, the complement: BRCA1 is on the minus strand). VCF-style: chr17-43093912-T-G. GRCh37 (hg19) VCF-style: chr17-41245929-T-G.
Other names: c.1475A>C, p.Glu492Ala (NM_001407743.1, NM_001407744.1, NM_001407745.1 and 20 more transcripts); c.1478A>C, p.Glu493Ala (NM_001407750.1, NM_001407751.1, NM_001407752.1 and 29 more transcripts); c.1406A>C, p.Glu469Ala (NM_001407571.1, NM_001407853.1, NM_001407894.1 and 9 more transcripts); c.1619A>C, p.Glu540Ala (NM_001407581.1, NM_001407582.1, NM_001407583.1 and 30 more transcripts); c.1616A>C, p.Glu539Ala (NM_001407587.1, NM_001407590.1, NM_001407591.1 and 22 more transcripts); c.1610A>C, p.Glu537Ala (NM_001407646.1, NM_001407647.1); c.1496A>C, p.Glu499Ala (NM_001407648.1, NM_001407664.1, NM_001407665.1 and 19 more transcripts); c.1493A>C, p.Glu498Ala (NM_001407649.1, NM_001407670.1, NM_001407671.1 and 11 more transcripts); and 40 more; short protein forms E428A, E429A, E470A, E472A, E473A, E492A, E498A, E514A.
Identifiers: ClinVar variation 3261461 (VCV003261461.1).